The following is an entry in ClinVar:

NM_018136.5(ASPM):c.3597T>C (p.His1199=)

Gene: ASPM (assembly factor for spindle microtubules; minus strand). Cytogenetic location: 1q31.3.
Variant type: single nucleotide variant.
Coding change: c.3597T>C on transcript NM_018136.5 (MANE Select); coding-DNA position 3597, T replaced by C.
Protein change: p.His1199=; no amino-acid change (histidine 1199 retained).
Molecular consequence: synonymous variant.
Genome position (GRCh38, 1-based): chr1:197,122,389, A>G on the plus strand (T>C on the coding strand, the complement: ASPM is on the minus strand). VCF-style: chr1-197122389-A-G. GRCh37 (hg19) VCF-style: chr1-197091519-A-G.
Other names: c.3597T>C, p.His1199= (NM_001206846.2).
Identifiers: ClinVar variation 1518828 (VCV001518828.3), dbSNP rs752363848, ClinGen allele CA1310137.

ClinVar aggregate classification (germline): Uncertain significance (1 of 4 stars; one submission).

Allele frequency attached by ClinVar (database versions not stated): gnomAD exomes 0.00001 and 0.00004; ExAC 0.00002; gnomAD 0.00003 and 0.00004; TOPMed 0.00004.
gnomAD v4.1: 55 of 1,613,612 alleles (0.0034%); highest among the groups gnomAD compares: Non-Finnish European, 0.0047%; no homozygotes.

Submission:

Labcorp Genetics (formerly Invitae), Labcorp
Classification: Uncertain significance. Last evaluated: 2022-06-20. Review status: criteria provided, single submitter. Criteria: Invitae Variant Classification Sherloc (09022015). Collection method: clinical testing. Allele origin: germline.
Comment: This sequence change affects codon 1199 of the ASPM mRNA. It is a 'silent' change, meaning that it does not change the encoded amino acid sequence of the ASPM protein. It affects a nucleotide within the consensus splice site. This variant is present in population databases (rs752363848, gnomAD 0.003%). This variant has not been reported in the literature in individuals affected with ASPM-related conditions. Algorithms developed to predict the effect of sequence changes on RNA splicing suggest that this variant is not likely to affect RNA splicing. In summary, the available evidence is currently insufficient to determine the role of this variant in disease. Therefore, it has been classified as a Variant of Uncertain Significance.